The following is an entry in ClinVar:

ClinVar aggregate classification (germline): Uncertain significance (1 of 4 stars; one submission).

Allele frequency attached by ClinVar (database versions not stated): gnomAD exomes below 0.00001.
gnomAD v4.1: 3 of 1,613,804 alleles (0.00019%); highest among the groups gnomAD compares: Non-Finnish European, 0.00025%; no homozygotes.

Submission:

Ambry Genetics
Classification: Uncertain significance. Last evaluated: 2026-01-13. Review status: criteria provided, single submitter. Criteria: Ambry Variant Classification Scheme 2023. Collection method: clinical testing. Allele origin: germline.
Comment: The p.L238F variant (also known as c.712C>T), located in coding exon 7 of the SRP72 gene, results from a C to T substitution at nucleotide position 712. The leucine at codon 238 is replaced by phenylalanine, an amino acid with highly similar properties. This amino acid position is conserved. In addition, the in silico prediction for this alteration is inconclusive. Based on the available evidence, the clinical significance of this variant remains unclear.

NM_006947.4(SRP72):c.712C>T (p.Leu238Phe)

Gene: SRP72 (signal recognition particle 72; plus strand). Cytogenetic location: 4q12.
Variant type: single nucleotide variant.
Coding change: c.712C>T on transcript NM_006947.4 (MANE Select); coding-DNA position 712, C replaced by T.
Protein change: p.Leu238Phe; replaces leucine 238 with phenylalanine.
Molecular consequence: missense variant. On other transcripts: non-coding transcript variant (1), intron variant (1).
Genome position (GRCh38, 1-based): chr4:56,478,448, C>T. VCF-style: chr4-56478448-C-T. GRCh37 (hg19) VCF-style: chr4-57344614-C-T.
Other names: c.642+1746C>T (NM_001267722.2); short protein forms L238F.
Identifiers: ClinVar variation 2288957 (VCV002288957.3), dbSNP rs1720336319, ClinGen allele CA356997899.